The following is an entry in ClinVar:

ClinVar aggregate classification (germline): Uncertain significance (1 of 4 stars; one submission).

Conditions:
Holoprosencephaly 5 (HPE5). Identifiers: Orphanet 2162, MedGen C1864827, MONDO:0012322, OMIM 609637.

Submission:

Labcorp Genetics (formerly Invitae), Labcorp
Classification: Uncertain significance for Holoprosencephaly 5. Last evaluated: 2023-10-08. Review status: criteria provided, single submitter. Criteria: Invitae Variant Classification Sherloc (09022015). Collection method: clinical testing. Allele origin: germline.
Comment: This variant, c.1365_1379del, results in the deletion of 5 amino acid(s) of the ZIC2 protein (p.Ala466_Ala470del), but otherwise preserves the integrity of the reading frame. This variant is not present in population databases (gnomAD no frequency). This variant has been observed in individual(s) with holoprosencephaly (PMID: 19177455, 32022405). Experimental studies and prediction algorithms are not available or were not evaluated, and the functional significance of this variant is currently unknown. In summary, the available evidence is currently insufficient to determine the role of this variant in disease. Therefore, it has been classified as a Variant of Uncertain Significance.

Literature cited by the submitters: PubMed 19177455; PubMed 32022405.

NM_007129.5(ZIC2):c.1365_1379del (p.Ala466_Ala470del)

Genes: ZIC2 (Zic family zinc finger 2; plus strand), LOC110008580 (Zic family member 2 polyalanine repeat instability region; plus strand). Cytogenetic location: 13q32.3.
Variant type: Deletion.
Coding change: c.1365_1379del on transcript NM_007129.5 (MANE Select); coding-DNA positions 1365 to 1379, 15 bases deleted (AGCGGCGGCGGCAGC).
Protein change: p.Ala466_Ala470del.
Molecular consequence: inframe deletion.
Genome position (GRCh38, 1-based): chr13:99,985,448-99,985,462, AGCGGCGGCGGCAGC deleted; deleting any 15 consecutive bases within chr13:99,985,447-99,985,462 gives the same sequence; the c. name uses the placement nearest the transcript's 3' end. VCF-style (leftmost placement, unchanged base first): chr13-99985446-CCAGCGGCGGCGGCAG-C. GRCh37 (hg19) VCF-style: chr13-100637700-CCAGCGGCGGCGGCAG-C.
Identifiers: ClinVar variation 2788117 (VCV002788117.3), dbSNP rs2053260215, ClinGen allele CA959473402.